The following is an entry in ClinVar:

ClinVar aggregate classification (germline): Uncertain significance (1 of 4 stars; one submission).

Conditions:
Early-infantile DEE. Also called: Ohtahara syndrome; Early infantile epileptic encephalopathy with suppression bursts; Early infantile epileptic encephalopathy. Identifiers: Orphanet 1934, MedGen C0393706, MONDO:0800491.

Allele frequency attached by ClinVar (database versions not stated): gnomAD exomes below 0.00001.
gnomAD v4.1: 1 of 1,613,990 alleles (0.000062%); no homozygotes.

Submission:

Labcorp Genetics (formerly Invitae), Labcorp
Classification: Uncertain significance for Early-infantile DEE. Last evaluated: 2020-03-06. Review status: criteria provided, single submitter. Criteria: Invitae Variant Classification Sherloc (09022015). Collection method: clinical testing. Allele origin: germline.
Comment: This sequence change replaces isoleucine with valine at codon 1583 of the SCN8A protein (p.Ile1583Val). The isoleucine residue is highly conserved and there is a small physicochemical difference between isoleucine and valine. In summary, the available evidence is currently insufficient to determine the role of this variant in disease. Therefore, it has been classified as a Variant of Uncertain Significance. Algorithms developed to predict the effect of missense changes on protein structure and function are either unavailable or do not agree on the potential impact of this missense change (SIFT: "Deleterious"; PolyPhen-2: "Benign"; Align-GVGD: "Class C0"). This variant has not been reported in the literature in individuals with SCN8A-related conditions. This variant is not present in population databases (ExAC no frequency).

NM_001330260.2(SCN8A):c.4747A>G (p.Ile1583Val)

Gene: SCN8A (sodium voltage-gated channel alpha subunit 8; plus strand). Cytogenetic location: 12q13.13.
Variant type: single nucleotide variant.
Coding change: c.4747A>G on transcript NM_001330260.2 (MANE Select); coding-DNA position 4747, A replaced by G.
Protein change: p.Ile1583Val; replaces isoleucine 1583 with valine.
Molecular consequence: missense variant.
Genome position (GRCh38, 1-based): chr12:51,794,593, A>G. VCF-style: chr12-51794593-A-G. GRCh37 (hg19) VCF-style: chr12-52188377-A-G.
Other names: c.4624A>G, p.Ile1542Val (NM_001177984.3, NM_001369788.1); c.4747A>G, p.Ile1583Val (NM_014191.4); short protein forms I1542V, I1583V.
Identifiers: ClinVar variation 1058209 (VCV001058209.10), dbSNP rs1321044528, ClinGen allele CA384879279.